The following is an entry in ClinVar:

NM_005245.4(FAT1):c.6170A>G (p.His2057Arg)

Gene: FAT1 (FAT atypical cadherin 1; minus strand). Cytogenetic location: 4q35.2.
Variant type: single nucleotide variant.
Coding change: c.6170A>G on transcript NM_005245.4 (MANE Select); coding-DNA position 6170, A replaced by G.
Protein change: p.His2057Arg; replaces histidine 2057 with arginine.
Molecular consequence: missense variant.
Genome position (GRCh38, 1-based): chr4:186,620,416, T>C on the plus strand (A>G on the coding strand, the complement: FAT1 is on the minus strand). VCF-style: chr4-186620416-T-C. GRCh37 (hg19) VCF-style: chr4-187541570-T-C.
Other names: short protein forms H2057R.
Identifiers: ClinVar variation 1908128 (VCV001908128.5), dbSNP rs370038733, ClinGen allele CA3166298.
Genomic context (GRCh38, chr4:186,620,416, plus strand): 5'-TTATCATTTTGGTCTTCTACAATGACCTTCACGACAACGTGGGCCACTGCAGAAGGCTTA[T>C]GTTCCTCTGTCACTTCTACAACCACATCAAACGCCTCCTGCTGCTCACGATCGAAGGGCG-3'
Protein context (NP_005236.2, residues 2047-2067): FDVVVEVTEE[His2057Arg]KPSAVAHVVV

ClinVar aggregate classification (germline): Uncertain significance (1 of 4 stars; one submission).

Allele frequency attached by ClinVar (database versions not stated): gnomAD exomes below 0.00001; ExAC 0.00001; gnomAD 0.00001; TOPMed 0.00001; ESP Exome Variant Server 0.00008.
gnomAD v4.1: 2 of 1,613,936 alleles (0.00012%); highest among the groups gnomAD compares: African/African-American, 0.0027%; no homozygotes.

Submission:

Labcorp Genetics (formerly Invitae), Labcorp
Classification: Uncertain significance. Last evaluated: 2025-06-12. Review status: criteria provided, single submitter. Criteria: Invitae Variant Classification Sherloc (09022015). Collection method: clinical testing. Allele origin: germline.
Comment: This sequence change replaces histidine, which is basic and polar, with arginine, which is basic and polar, at codon 2057 of the FAT1 protein (p.His2057Arg). This variant is present in population databases (rs370038733, gnomAD 0.007%). This variant has not been reported in the literature in individuals affected with FAT1-related conditions. ClinVar contains an entry for this variant (Variation ID: 1908128). An algorithm developed to predict the effect of missense changes on protein structure and function outputs the following: PolyPhen-2: "Benign". The arginine amino acid residue is found in multiple mammalian species, which suggests that this missense change does not adversely affect protein function. In summary, the available evidence is currently insufficient to determine the role of this variant in disease. Therefore, it has been classified as a Variant of Uncertain Significance.